The following is an entry in ClinVar:

NM_015426.5(POC1A):c.1006C>G (p.Pro336Ala)

Gene: POC1A (POC1 centriolar protein A; minus strand). Cytogenetic location: 3p21.2.
Variant type: single nucleotide variant.
Coding change: c.1006C>G on transcript NM_015426.5 (MANE Select); coding-DNA position 1006, C replaced by G.
Protein change: p.Pro336Ala; replaces proline 336 with alanine.
Molecular consequence: missense variant. On other transcripts: intron variant (1).
Genome position (GRCh38, 1-based): chr3:52,096,688, G>C on the plus strand (C>G on the coding strand, the complement: POC1A is on the minus strand). VCF-style: chr3-52096688-G-C. GRCh37 (hg19) VCF-style: chr3-52130704-G-C.
Other names: c.892C>G, p.Pro298Ala (NM_001161581.2); c.982-20703C>G (NM_001161580.2); short protein forms P298A, P336A.
Identifiers: ClinVar variation 1427833 (VCV001427833.6), dbSNP rs769973716, ClinGen allele CA2429421.

ClinVar aggregate classification (germline): Uncertain significance (1 of 4 stars; one submission).

Allele frequency attached by ClinVar (database versions not stated): gnomAD exomes 0.00001; TOPMed 0.00001; ExAC 0.00002.
gnomAD v4.1: 14 of 1,601,898 alleles (0.00087%); highest among the groups gnomAD compares: South Asian, 0.012%; no homozygotes.

Submission:

Labcorp Genetics (formerly Invitae), Labcorp
Classification: Uncertain significance. Last evaluated: 2023-05-09. Review status: criteria provided, single submitter. Criteria: Invitae Variant Classification Sherloc (09022015). Collection method: clinical testing. Allele origin: germline.
Comment: This variant has not been reported in the literature in individuals affected with POC1A-related conditions. In summary, the available evidence is currently insufficient to determine the role of this variant in disease. Therefore, it has been classified as a Variant of Uncertain Significance. Algorithms developed to predict the effect of missense changes on protein structure and function output the following: SIFT: "Not Available"; PolyPhen-2: "Benign"; Align-GVGD: "Not Available". The alanine amino acid residue is found in multiple mammalian species, which suggests that this missense change does not adversely affect protein function. ClinVar contains an entry for this variant (Variation ID: 1427833). This variant is present in population databases (rs769973716, gnomAD 0.01%). This sequence change replaces proline, which is neutral and non-polar, with alanine, which is neutral and non-polar, at codon 336 of the POC1A protein (p.Pro336Ala).